The following is an entry in ClinVar:

ClinVar aggregate classification (germline): Uncertain significance. Review status: criteria provided, multiple submitters, no conflicts (2 of 4 stars). 5 submissions from 5 submitters: Uncertain significance (5). Last evaluated 2026-01-21.

Conditions:
Breast-ovarian cancer, familial, susceptibility to, 4. Identifiers: Orphanet 145, MedGen C3280345, MONDO:0013669, OMIM 614291.
Hereditary cancer-predisposing syndrome. Also called: Hereditary Cancer Syndrome; Neoplastic Syndromes, Hereditary; Tumor predisposition; Hereditary neoplastic syndrome. Identifiers: Orphanet 140162, MedGen C0027672, MeSH D009386, MONDO:0015356.

Allele frequency attached by ClinVar (database versions not stated): gnomAD exomes below 0.00001; TOPMed below 0.00001.
gnomAD v4.1: 5 of 1,612,424 alleles (0.00031%); highest among the groups gnomAD compares: Non-Finnish European, 0.00042%; no homozygotes.

Submissions (5):

Labcorp Genetics (formerly Invitae), Labcorp
Classification: Uncertain significance for Breast-ovarian cancer, familial, susceptibility to, 4. Last evaluated: 2026-01-21. Review status: criteria provided, single submitter. Criteria: Invitae Variant Classification Sherloc (09022015). Collection method: clinical testing. Allele origin: germline.
Comment: This sequence change replaces proline, which is neutral and non-polar, with serine, which is neutral and polar, at codon 10 of the RAD51D protein (p.Pro10Ser). This variant is not present in population databases (gnomAD no frequency). This variant has not been reported in the literature in individuals affected with RAD51D-related conditions. ClinVar contains an entry for this variant (Variation ID: 480536). An algorithm developed to predict the effect of missense changes on protein structure and function (PolyPhen-2) suggests that this variant is likely to be disruptive. In summary, the available evidence is currently insufficient to determine the role of this variant in disease. Therefore, it has been classified as a Variant of Uncertain Significance.

Ambry Genetics
Classification: Uncertain significance for Hereditary cancer-predisposing syndrome. Last evaluated: 2025-10-10. Review status: criteria provided, single submitter. Criteria: Ambry Variant Classification Scheme 2023. Collection method: clinical testing. Allele origin: germline.
Comment: The p.P10S variant (also known as c.28C>T), located in coding exon 1 of the RAD51D gene, results from a C to T substitution at nucleotide position 28. The proline at codon 10 is replaced by serine, an amino acid with similar properties. This amino acid position is highly conserved in available vertebrate species. In addition, the in silico prediction for this alteration is inconclusive. Since supporting evidence is limited at this time, the clinical significance of this alteration remains unclear.

GeneDx
Classification: Uncertain significance. Last evaluated: 2024-06-05. Review status: criteria provided, single submitter. Criteria: GeneDx Variant Classification Process June 2021. Collection method: clinical testing. Allele origin: germline. Affected: yes.
Comment: Not observed at significant frequency in large population cohorts (gnomAD); In silico analysis supports that this missense variant has a deleterious effect on protein structure/function; Has not been previously published as pathogenic or benign to our knowledge; This variant is associated with the following publications: (PMID: 21111057)

Color Diagnostics, LLC DBA Color Health
Classification: Uncertain significance for Hereditary cancer-predisposing syndrome. Last evaluated: 2024-03-06. Review status: criteria provided, single submitter. Criteria: ACMG Guidelines, 2015. Collection method: clinical testing. Allele origin: germline.
Comment: This missense variant replaces proline with serine at codon 10 of the RAD51D protein. Computational prediction suggests that this variant may not impact protein structure and function (internally defined REVEL score threshold <= 0.5, PMID: 27666373). To our knowledge, functional studies have not been reported for this variant. This variant has not been reported in individuals affected with RAD51D-related disorders in the literature. This variant has not been identified in the general population by the Genome Aggregation Database (gnomAD). The available evidence is insufficient to determine the role of this variant in disease conclusively. Therefore, this variant is classified as a Variant of Uncertain Significance.

Women's Health and Genetics/Laboratory Corporation of America, LabCorp
Classification: Uncertain significance. Last evaluated: 2016-09-09. Review status: criteria provided, single submitter. Criteria: LabCorp Variant Classification Summary - May 2015. Collection method: clinical testing. Allele origin: germline.
Comment: Variant summary: The RAD51D c.28C>T (p.Pro10Ser) variant involves the alteration of a conserved nucleotide. Pro10 is conserved in mammals, but is not located in a known functional domain. 4/4 in silico tools predict a damaging outcome for this variant (SNPs&GO not captured due to low reliability index). This variant was absent in 119672 control chromosomes and has not, to our knowledge, been reported in affected individuals via publications and/or reputable databases/clinical diagnostic laboratories; nor evaluated for functional impact by in vivo/vitro studies. Because of the absence of clinical information and the lack of functional studies, the variant is classified as a variant of uncertain significance (VUS) until additional information becomes available.

NM_002878.4(RAD51D):c.28C>T (p.Pro10Ser)

Genes: RAD51D (RAD51 paralog D; minus strand), RAD51L3-RFFL (RAD51L3-RFFL readthrough; minus strand). Cytogenetic location: 17q12.
Variant type: single nucleotide variant.
Coding change: c.28C>T on transcript NM_002878.4 (MANE Select); coding-DNA position 28, C replaced by T.
Protein change: p.Pro10Ser; replaces proline 10 with serine.
Molecular consequence: missense variant. On other transcripts: non-coding transcript variant (2).
Genome position (GRCh38, 1-based): chr17:35,119,586, G>A on the plus strand (C>T on the coding strand, the complement: RAD51D is on the minus strand). VCF-style: chr17-35119586-G-A. GRCh37 (hg19) VCF-style: chr17-33446605-G-A.
Other names: c.28C>T, p.Pro10Ser (NM_001142571.2, NM_133629.3); short protein forms P10S.
Identifiers: ClinVar variation 480536 (VCV000480536.22), dbSNP rs1555570500, ClinGen allele CA399092512.